The following is an entry in ClinVar:

ClinVar aggregate classification (germline): Uncertain significance. Review status: criteria provided, multiple submitters, no conflicts (2 of 4 stars). 3 submissions from 3 submitters: Uncertain significance (2). 1 of the submissions does not count toward it. Last evaluated 2025-01-06.

Conditions:
Usher syndrome type 1F (USH1F). Also called: USHER SYNDROME, TYPE IF. Identifiers: Orphanet 231169, Orphanet 886, MedGen C1865885, MONDO:0011186, OMIM 602083.

Allele frequency attached by ClinVar (database versions not stated): gnomAD exomes 0.00001 and 0.00006; gnomAD 0.00015 and 0.00016; ExAC 0.00002; TOPMed 0.00009.
gnomAD v4.1: 40 of 1,613,928 alleles (0.0025%); highest among the groups gnomAD compares: Admixed American, 0.065%; no homozygotes.

Submissions (3):

Labcorp Genetics (formerly Invitae), Labcorp
Classification: Uncertain significance. Last evaluated: 2025-01-06. Review status: criteria provided, single submitter. Criteria: Invitae Variant Classification Sherloc (09022015). Collection method: clinical testing. Allele origin: germline.
Comment: This sequence change replaces leucine, which is neutral and non-polar, with arginine, which is basic and polar, at codon 1683 of the PCDH15 protein (p.Leu1683Arg). This variant is present in population databases (rs727504812, gnomAD 0.05%). This variant has not been reported in the literature in individuals affected with PCDH15-related conditions. ClinVar contains an entry for this variant (Variation ID: 179357). Invitae Evidence Modeling of protein sequence and biophysical properties (such as structural, functional, and spatial information, amino acid conservation, physicochemical variation, residue mobility, and thermodynamic stability) indicates that this missense variant is not expected to disrupt PCDH15 protein function with a negative predictive value of 95%. In summary, the available evidence is currently insufficient to determine the role of this variant in disease. Therefore, it has been classified as a Variant of Uncertain Significance.

Laboratory for Molecular Medicine, Mass General Brigham Personalized Medicine
Classification: Uncertain significance. Last evaluated: 2013-11-19. Review status: criteria provided, single submitter. Criteria: LMM Criteria. Collection method: clinical testing. Allele origin: germline. Observed: 1 variant allele.
Comment: The Leu1683Arg variant in PCDH15 has not been reported in individuals with heari ng loss or in large population studies. Computational analyses (biochemical ami no acid properties, conservation, AlignGVGD, PolyPhen2, and SIFT) do not provide strong support for or against an impact to the protein. In summary, additional data is needed to determine the clinical significance of this variant.

Natera, Inc.
Classification: Uncertain significance for Usher syndrome type 1F. Last evaluated: 2019-11-11. Review status: no assertion criteria provided. Collection method: clinical testing. Allele origin: germline. Not counted in ClinVar's aggregate classification.

NM_033056.4(PCDH15):c.5048T>G (p.Leu1683Arg)

Gene: PCDH15 (protocadherin related 15; minus strand). Cytogenetic location: 10q21.1.
Variant type: single nucleotide variant.
Coding change: c.5048T>G on transcript NM_033056.4 (MANE Plus Clinical); coding-DNA position 5048, T replaced by G.
Protein change: p.Leu1683Arg; replaces leucine 1683 with arginine.
Molecular consequence: missense variant. On other transcripts: intron variant (8).
Genome position (GRCh38, 1-based): chr10:53,822,678, A>C on the plus strand (T>G on the coding strand, the complement: PCDH15 is on the minus strand). VCF-style: chr10-53822678-A-C. GRCh37 (hg19) VCF-style: chr10-55582438-A-C.
Other names: c.5069T>G, p.Leu1690Arg (NM_001142763.2); c.5054T>G, p.Leu1685Arg (NM_001142764.2); c.4841T>G, p.Leu1614Arg (NM_001142765.2); c.5039T>G, p.Leu1680Arg (NM_001142766.2); c.4928T>G, p.Leu1643Arg (NM_001142767.2); c.4988T>G, p.Leu1663Arg (NM_001142768.2); c.4979T>G, p.Leu1660Arg (NM_001142773.2); c.4982T>G, p.Leu1661Arg (NM_001354404.2); and 7 more; short protein forms L1683R, L1614R, L1643R, L1661R, L1680R, L1690R, L1660R, L1663R.
Identifiers: ClinVar variation 179357 (VCV000179357.9), dbSNP rs727504812, ClinGen allele CA184262.
Genomic context (GRCh38, chr10:53,822,678, plus strand): 5'-GAAGGAGAAAGTTCCAAGGAACACTCAGCAGGAGAACTGATGACATTAGGTTCTGATTTG[A>C]GTTCCACAGTTCTTGAAACAGTTGGCAAAGTGGAGAATGAGAAGTGAGGCCTGGGAAAGC-3'
Protein context (NP_149045.3, residues 1673-1693): TLPTVSRTVE[Leu1683Arg]KSEPNVISSP